The following is an entry in ClinVar:

ClinVar aggregate classification (germline): Uncertain significance (1 of 4 stars; one submission).

Conditions:
Hereditary cancer-predisposing syndrome. Also called: Neoplastic Syndromes, Hereditary; Tumor predisposition; Hereditary Cancer Syndrome; Hereditary neoplastic syndrome. Identifiers: Orphanet 140162, MedGen C0027672, MeSH D009386, MONDO:0015356.

Submission:

Ambry Genetics
Classification: Uncertain significance for Hereditary cancer-predisposing syndrome. Last evaluated: 2026-01-08. Review status: criteria provided, single submitter. Criteria: Ambry Variant Classification Scheme 2023. Collection method: clinical testing. Allele origin: germline.
Comment: The p.A1608S variant (also known as c.4822G>T), located in coding exon 14 of the BRCA1 gene, results from a G to T substitution at nucleotide position 4822. The alanine at codon 1608 is replaced by serine, an amino acid with similar properties. This variant was functional in homology directed repair functional assay (Adamovich AI et al. Am J Hum Genet, 2022 Apr;109:618-630). This amino acid position is not well conserved in available vertebrate species. In addition, the in silico prediction for this alteration is inconclusive. Based on the available evidence, the clinical significance of this variant remains unclear.

Literature cited by the submitters: PubMed 35196514.

NM_007294.4(BRCA1):c.4822G>T (p.Ala1608Ser)

Gene: BRCA1 (BRCA1 DNA repair associated; minus strand). Cytogenetic location: 17q21.31.
Variant type: single nucleotide variant.
Coding change: c.4822G>T on transcript NM_007294.4 (MANE Select); coding-DNA position 4822, G replaced by T.
Protein change: p.Ala1608Ser; replaces alanine 1608 with serine.
Molecular consequence: missense variant. On other transcripts: intron variant (1).
Genome position (GRCh38, 1-based): chr17:43,071,092, C>A on the plus strand (G>T on the coding strand, the complement: BRCA1 is on the minus strand). VCF-style: chr17-43071092-C-A. GRCh37 (hg19) VCF-style: chr17-41223109-C-A.
Other names: c.4609G>T, p.Ala1537Ser (NM_001407907.1, NM_001407908.1, NM_001407909.1 and 12 more transcripts); c.4606G>T, p.Ala1536Ser (NM_001407915.1, NM_001407916.1, NM_001407917.1 and 1 more transcripts); c.4699G>T, p.Ala1567Ser (NM_001407919.1, NM_001407937.1, NM_001407938.1 and 6 more transcripts); c.4558G>T, p.Ala1520Ser (NM_001407920.1, NM_001407921.1, NM_001407922.1 and 4 more transcripts); c.4555G>T, p.Ala1519Ser (NM_001407927.1, NM_001407928.1, NM_001407929.1 and 4 more transcripts); c.1510G>T, p.Ala504Ser (NM_001407985.1, NM_001407986.1, NM_001407990.1 and 12 more transcripts); c.1507G>T, p.Ala503Ser (NM_001408392.1, NM_001408396.1, NM_001408397.1 and 8 more transcripts); c.4681G>T, p.Ala1561Ser (NM_001407698.1, NM_001407724.1, NM_001407725.1 and 13 more transcripts); and 71 more; short protein forms A1439S, A1495S, A1496S, A1520S, A1536S, A1537S, A1581S, A1588S.
Identifiers: ClinVar variation 4842661 (VCV004842661.1).